The following is an entry in ClinVar:

ClinVar aggregate classification (germline): Uncertain significance (1 of 4 stars; one submission).

Conditions:
Thyroid hormone metabolism, abnormal 1 (THMA1). Also called: Short stature-delayed bone age due to thyroid hormone metabolism deficiency. Identifiers: Orphanet 171706, MedGen C5676891, MONDO:0800046, OMIM 609698.

gnomAD v4.1: 1 of 1,614,210 alleles (0.000062%); highest among the groups gnomAD compares: Non-Finnish European, 0.000085%; no homozygotes.

Submission:

Baylor Genetics
Classification: Uncertain significance for Thyroid hormone metabolism, abnormal 1. Last evaluated: 2019-04-05. Review status: criteria provided, single submitter. Criteria: ACMG Guidelines, 2015. Collection method: clinical testing. Allele origin: unknown. Affected: yes.
Comment: This variant was determined to be of uncertain significance according to ACMG Guidelines, 2015 [PMID:25741868].

NM_024077.5(SECISBP2):c.137C>G (p.Ser46Cys)

Gene: SECISBP2 (SECIS binding protein 2; plus strand). Cytogenetic location: 9q22.2.
Variant type: single nucleotide variant.
Coding change: c.137C>G on transcript NM_024077.5 (MANE Select); coding-DNA position 137, C replaced by G.
Protein change: p.Ser46Cys; replaces serine 46 with cysteine.
Molecular consequence: missense variant. On other transcripts: synonymous variant (1), 5 prime UTR variant (2).
Genome position (GRCh38, 1-based): chr9:89,319,752, C>G. VCF-style: chr9-89319752-C-G. GRCh37 (hg19) VCF-style: chr9-91934667-C-G.
Other names: c.137C>G, p.Ser46Cys (NM_001282688.2, NM_001354696.2, NM_001354697.2 and 1 more transcripts); c.39C>G, p.Leu13= (NM_001282689.2); c.-68C>G (NM_001282690.1); c.-711C>G (NM_001354702.2); short protein forms S46C.
Identifiers: ClinVar variation 1028292 (VCV001028292.1), dbSNP rs1027713548, ClinGen allele CA373990014.